The following is an entry in ClinVar:

ClinVar aggregate classification (germline): Likely pathogenic (1 of 4 stars; one submission).

Conditions:
Polycystic kidney disease 2 (PKD2). Also called: POLYCYSTIC KIDNEY DISEASE, ADULT, TYPE II; Polycystic Kidney Disease 2, Autosomal Dominant; POLYCYSTIC KIDNEY DISEASE 2 WITH OR WITHOUT POLYCYSTIC LIVER DISEASE. Identifiers: MedGen C2751306, MONDO:0013131, OMIM 613095.

Submission:

MVZ Medizinische Genetik Mainz
Classification: Likely pathogenic for Polycystic kidney disease 2. Last evaluated: 2025-12-30. Review status: criteria provided, single submitter. Criteria: UK Practice Guidelines For Variant Classification V4 01 2020. Collection method: clinical testing. Allele origin: germline. Inheritance: Autosomal dominant inheritance. Affected: yes. Observed: 1 variant allele.
Comment: ACMG Criteria: PM4,PM5,PM2_SUP,PP4

NM_000297.4(PKD2):c.2907A>G (p.Ter969Trp)

Gene: PKD2 (polycystin 2, transient receptor potential cation channel; plus strand). Cytogenetic location: 4q22.1.
Variant type: single nucleotide variant.
Coding change: c.2907A>G on transcript NM_000297.4 (MANE Select); coding-DNA position 2907, A replaced by G.
Protein change: p.Ter969Trp.
Molecular consequence: stop lost. On other transcripts: non-coding transcript variant (1).
Genome position (GRCh38, 1-based): chr4:88,075,694, A>G. VCF-style: chr4-88075694-A-G. GRCh37 (hg19) VCF-style: chr4-88996846-A-G.
Other names: c.2682A>G, p.Ter894Trp (NM_001440544.1).
Identifiers: ClinVar variation 4688161 (VCV004688161.1).